The following is an entry in ClinVar:

NM_000059.4(BRCA2):c.8910G>A (p.Trp2970Ter)

Gene: BRCA2 (BRCA2 DNA repair associated; plus strand). Cytogenetic location: 13q13.1.
Variant type: single nucleotide variant.
Coding change: c.8910G>A on transcript NM_000059.4 (MANE Select); coding-DNA position 8910, G replaced by A.
Protein change: p.Trp2970Ter; replaces tryptophan 2970 with a stop codon.
Molecular consequence: nonsense.
Genome position (GRCh38, 1-based): chr13:32,379,472, G>A. VCF-style: chr13-32379472-G-A. GRCh37 (hg19) VCF-style: chr13-32953609-G-A.
Other names: 9138G>A (W-X); short protein forms W2970*.
Identifiers: ClinVar variation 267114 (VCV000267114.6), dbSNP rs886040799, ClinGen allele CA10589523.

ClinVar aggregate classification (germline): Pathogenic. Review status: reviewed by expert panel (3 of 4 stars). 3 submissions from 3 submitters: Pathogenic (1). 2 of the submissions do not count toward it. Last evaluated 2016-10-18.

Conditions:
Breast-ovarian cancer, familial, susceptibility to, 2 (BROVCA2). Also called: BRCA2 Hereditary Breast and Ovarian Cancer. Identifiers: Orphanet 145, MedGen C2675520, MONDO:0012933, OMIM 612555. Disease mechanism: loss of function.

Submissions (3):

Evidence-based Network for the Interpretation of Germline Mutant Alleles (ENIGMA)
Classification: Pathogenic for Breast-ovarian cancer, familial, susceptibility to, 2. Last evaluated: 2016-10-18. Review status: reviewed by expert panel. Criteria: ENIGMA BRCA1/2 Classification Criteria (2015). Collection method: curation. Allele origin: germline.
Comment: Variant allele predicted to encode a truncated non-functional protein.

Myriad Genetics, Inc.
Classification: Pathogenic for Breast-ovarian cancer, familial, susceptibility to, 2. Last evaluated: 2024-04-30. Review status: criteria provided, single submitter. Criteria: Myriad Autosomal Dominant, Autosomal Recessive and X-Linked Classification Criteria (2023). Collection method: clinical testing. Allele origin: unknown. Not counted in ClinVar's aggregate classification.
Comment: This variant is considered pathogenic. This variant creates a termination codon and is predicted to result in premature protein truncation.

Consortium of Investigators of Modifiers of BRCA1/2 (CIMBA), c/o University of Cambridge
Classification: Pathogenic for Breast-ovarian cancer, familial, susceptibility to, 2. Last evaluated: 2015-10-02. Review status: criteria provided, single submitter. Criteria: CIMBA Mutation Classification guidelines May 2016. Collection method: clinical testing. Allele origin: germline. Not counted in ClinVar's aggregate classification.